The following is an entry in ClinVar:

NM_170606.3(KMT2C):c.5903A>G (p.Asp1968Gly)

Gene: KMT2C (lysine methyltransferase 2C; minus strand). Cytogenetic location: 7q36.1.
Variant type: single nucleotide variant.
Coding change: c.5903A>G on transcript NM_170606.3 (MANE Select); coding-DNA position 5903, A replaced by G.
Protein change: p.Asp1968Gly; replaces aspartic acid 1968 with glycine.
Molecular consequence: missense variant.
Genome position (GRCh38, 1-based): chr7:152,181,957, T>C on the plus strand (A>G on the coding strand, the complement: KMT2C is on the minus strand). VCF-style: chr7-152181957-T-C. GRCh37 (hg19) VCF-style: chr7-151879042-T-C.
Other names: short protein forms D1968G.
Identifiers: ClinVar variation 134753 (VCV000134753.2), dbSNP rs587778493, ClinGen allele CA160677.

ClinVar aggregate classification (germline): Likely benign. Review status: criteria provided, single submitter (1 of 4 stars). 2 submissions from 2 submitters: Likely benign (1). 1 of the submissions does not count toward it. Last evaluated 2025-10-04.

Allele frequency attached by ClinVar (database versions not stated): ExAC 0.00001; gnomAD exomes 0.00001.
gnomAD v4.1: 24 of 1,614,190 alleles (0.0015%); highest among the groups gnomAD compares: Non-Finnish European, 0.0016%; no homozygotes.

Submissions (2):

Labcorp Genetics (formerly Invitae), Labcorp
Classification: Likely benign. Last evaluated: 2025-10-04. Review status: criteria provided, single submitter. Criteria: Invitae Variant Classification Sherloc (09022015). Collection method: clinical testing. Allele origin: germline.

ITMI
No classification provided. Condition: AllHighlyPenetrant. Last evaluated: 2013-09-19. Review status: no classification provided. Collection method: reference population. Allele origin: germline. Not counted in ClinVar's aggregate classification.
Comment: Please see associated publication for description of ethnicities

Literature cited by the submitters: PubMed 24728327 (cited by ITMI).